The following is an entry in ClinVar:

NM_000263.4(NAGLU):c.75_150del (p.Glu25fs)

Genes: NAGLU (N-acetyl-alpha-glucosaminidase; plus strand), LOC130060903 (ATAC-STARR-seq lymphoblastoid silent region 8533; plus strand). Cytogenetic location: 17q21.2.
Variant type: Deletion.
Coding change: c.75_150del on transcript NM_000263.4 (MANE Select); coding-DNA positions 75 to 150, 76 bases deleted.
Protein change: p.Glu25fs; shifts the reading frame from glutamic acid 25.
Molecular consequence: frameshift variant.
Genome position (GRCh38, 1-based): chr17:42,536,347-42,536,422, 76 bases deleted. GRCh37 (hg19): chr17:40,688,365-40,688,440.
Other names: p.Glu25AspfsTer72; short protein forms E25fs.
Identifiers: ClinVar variation 4755407 (VCV004755407.1).

ClinVar aggregate classification (germline): Likely pathogenic (1 of 4 stars; one submission).

Conditions:
Mucopolysaccharidosis, MPS-III-B (MPS3B). Also called: MPS IIIB (Sanfilippo Syndrome Type B); N-ACETYL-ALPHA-D-GLUCOSAMINIDASE DEFICIENCY; NAGLU DEFICIENCY; SANFILIPPO SYNDROME B; MPS III B; Mucopolysaccharidosis type IIIB (Sanfilippo B). Identifiers: Orphanet 79270, MedGen C0086648, MONDO:0009656, OMIM 252920.

Submission:

Foundation for Research in Genetics and Endocrinology, FRIGE's Institute of Human Genetics
Classification: Likely pathogenic for Mucopolysaccharidosis, MPS-III-B. Review status: criteria provided, single submitter. Criteria: ACMG Guidelines, 2015. Collection method: clinical testing. Allele origin: germline. Inheritance: Autosomal recessive inheritance. Affected: yes. Observed: 1 compound heterozygote.
Comment: A heterozygous 76 pair deletion in exon 1 of the NAGLU gene that results in a frameshift and premature truncation of the protein 72 amino acids downstream to codon 25 was detected. This variant has not been reported in the 1000 genomes and gnomAD databases. In summary, the variant meets our criteria to be classified as likely pathogenic.